The following is an entry in ClinVar:

NM_025137.4(SPG11):c.7069C>A (p.Leu2357Ile)

Gene: SPG11 (SPG11 vesicle trafficking associated, spatacsin; minus strand). Cytogenetic location: 15q21.1.
Variant type: single nucleotide variant.
Coding change: c.7069C>A on transcript NM_025137.4 (MANE Select); coding-DNA position 7069, C replaced by A.
Protein change: p.Leu2357Ile; replaces leucine 2357 with isoleucine.
Molecular consequence: missense variant.
Genome position (GRCh38, 1-based): chr15:44,564,629, G>T on the plus strand (C>A on the coding strand, the complement: SPG11 is on the minus strand). VCF-style: chr15-44564629-G-T. GRCh37 (hg19) VCF-style: chr15-44856827-G-T.
Other names: p.Leu2357Ile; c.6730C>A, p.Leu2244Ile (NM_001160227.2); c.6925C>A, p.Leu2309Ile (NM_001411132.1); short protein forms L2244I, L2309I, L2357I.
Identifiers: ClinVar variation 3380272 (VCV003380272.1).
Genomic context (GRCh38, chr15:44,564,629, plus strand): 5'-TACTGGACTTTAATAACCTTTGCTGCTTAAATTCTTCCAAGTAATTAAAGTCTCCTTTAA[G>T]AATCACTTGCTGGTATAAAATTTCAGCCCAATCTGGAACAAAATCGTAGGCCTCAGCCAC-3'
Protein context (NP_079413.3, residues 2347-2367): WAEILYQQVI[Leu2357Ile]KGDFNYLEEF

ClinVar aggregate classification (germline): Uncertain significance (1 of 4 stars; one submission).

Submission:

Mayo Clinic Laboratories, Mayo Clinic
Classification: Uncertain significance. Last evaluated: 2023-10-30. Review status: criteria provided, single submitter. Criteria: ACMG Guidelines, 2015. Collection method: clinical testing. Allele origin: germline. Observed: 1 variant allele.
Comment: PM2_moderate